The following is an entry in ClinVar:

ClinVar aggregate classification (germline): Uncertain significance. Review status: criteria provided, single submitter (1 of 4 stars). 2 submissions from 2 submitters: Uncertain significance (1). 1 of the submissions does not count toward it. Last evaluated 2021-10-28.

Conditions:
Glycogen storage disease, type II (IOPD). Also called: Aglucosidase alfa; Deficiency of alpha-glucosidase; Deficiency of lysosomal alpha-glucosidase; CARDIOMEGALIA GLYCOGENICA DIFFUSA; Glucosidase acid-1,4-alpha deficiency; Pompe Disease. Identifiers: Orphanet 365, MedGen C0017921, MONDO:0009290, OMIM 232300.

Submissions (2):

Labcorp Genetics (formerly Invitae), Labcorp
Classification: Uncertain significance for Glycogen storage disease, type II. Last evaluated: 2021-10-28. Review status: criteria provided, single submitter. Criteria: Invitae Variant Classification Sherloc (09022015). Collection method: clinical testing. Allele origin: germline.
Comment: This sequence change replaces valine, which is neutral and non-polar, with leucine, which is neutral and non-polar, at codon 659 of the GAA protein (p.Val659Leu). This variant is not present in population databases (gnomAD no frequency). This variant has not been reported in the literature in individuals affected with GAA-related conditions. Advanced modeling of protein sequence and biophysical properties (such as structural, functional, and spatial information, amino acid conservation, physicochemical variation, residue mobility, and thermodynamic stability) performed at Invitae indicates that this missense variant is expected to disrupt GAA protein function. In summary, the available evidence is currently insufficient to determine the role of this variant in disease. Therefore, it has been classified as a Variant of Uncertain Significance.

Natera, Inc.
Classification: Uncertain significance for Glycogen storage disease type II. Last evaluated: 2025-05-12. Review status: no assertion criteria provided. Collection method: clinical testing. Allele origin: germline. Not counted in ClinVar's aggregate classification.

NM_000152.5(GAA):c.1975G>C (p.Val659Leu)

Gene: GAA (alpha glucosidase; plus strand). Cytogenetic location: 17q25.3.
Variant type: single nucleotide variant.
Coding change: c.1975G>C on transcript NM_000152.5 (MANE Select); coding-DNA position 1975, G replaced by C.
Protein change: p.Val659Leu; replaces valine 659 with leucine.
Molecular consequence: missense variant.
Genome position (GRCh38, 1-based): chr17:80,112,962, G>C. VCF-style: chr17-80112962-G-C. GRCh37 (hg19) VCF-style: chr17-78086761-G-C.
Other names: c.1975G>C, p.Val659Leu (NM_001079803.3, NM_001079804.3); c.1975G>C (NM_000152.4); short protein forms V659L.
Identifiers: ClinVar variation 1428273 (VCV001428273.6), dbSNP rs2143892513, ClinGen allele CA401369992.